The following is an entry in ClinVar:

NM_005591.4(MRE11):c.1130G>T (p.Ser377Ile)

Gene: MRE11 (MRE11 double strand break repair nuclease; minus strand). Cytogenetic location: 11q21.
Variant type: single nucleotide variant.
Coding change: c.1130G>T on transcript NM_005591.4 (MANE Select); coding-DNA position 1130, G replaced by T.
Protein change: p.Ser377Ile; replaces serine 377 with isoleucine.
Molecular consequence: missense variant.
Genome position (GRCh38, 1-based): chr11:94,464,208, C>A on the plus strand (G>T on the coding strand, the complement: MRE11 is on the minus strand). VCF-style: chr11-94464208-C-A. GRCh37 (hg19) VCF-style: chr11-94197374-C-A.
Other names: c.1130G>T, p.Ser377Ile (NM_001330347.2, NM_005590.4); short protein forms S377I.
Identifiers: ClinVar variation 822224 (VCV000822224.5), dbSNP rs753536984, ClinGen allele CA6235144.

ClinVar aggregate classification (germline): Uncertain significance (1 of 4 stars; one submission).

Conditions:
Hereditary cancer-predisposing syndrome. Also called: Tumor predisposition; Hereditary Cancer Syndrome; Neoplastic Syndromes, Hereditary; Hereditary neoplastic syndrome. Identifiers: Orphanet 140162, MedGen C0027672, MeSH D009386, MONDO:0015356.

Allele frequency attached by ClinVar (database versions not stated): gnomAD exomes below 0.00001; ExAC 0.00001.
gnomAD v4.1: 1 of 1,613,952 alleles (0.000062%); highest among the groups gnomAD compares: South Asian, 0.0011%; no homozygotes.

Submission:

Ambry Genetics
Classification: Uncertain significance for Hereditary cancer-predisposing syndrome. Last evaluated: 2023-03-22. Review status: criteria provided, single submitter. Criteria: Ambry Variant Classification Scheme 2023. Collection method: clinical testing. Allele origin: germline.
Comment: The p.S377I variant (also known as c.1130G>T), located in coding exon 10 of the MRE11A gene, results from a G to T substitution at nucleotide position 1130. The serine at codon 377 is replaced by isoleucine, an amino acid with dissimilar properties. This amino acid position is poorly conserved in available vertebrate species. In addition, this alteration is predicted to be tolerated by in silico analysis. Since supporting evidence is limited at this time, the clinical significance of this alteration remains unclear.